The following is an entry in ClinVar:

NM_000632.4(ITGAM):c.1493G>A (p.Arg498Lys)

Gene: ITGAM (integrin subunit alpha M; plus strand). Cytogenetic location: 16p11.2.
Variant type: single nucleotide variant.
Coding change: c.1493G>A on transcript NM_000632.4 (MANE Select); coding-DNA position 1493, G replaced by A.
Protein change: p.Arg498Lys; replaces arginine 498 with lysine.
Molecular consequence: missense variant.
Genome position (GRCh38, 1-based): chr16:31,297,650, G>A. VCF-style: chr16-31297650-G-A. GRCh37 (hg19) VCF-style: chr16-31308971-G-A.
Other names: c.1493G>A, p.Arg498Lys (NM_001145808.2); c.1493G>A (NM_000632.3); short protein forms R498K.
Identifiers: ClinVar variation 2816424 (VCV002816424.4), dbSNP rs758530076, ClinGen allele CA8025566.

ClinVar aggregate classification (germline): Uncertain significance. Review status: criteria provided, multiple submitters, no conflicts (2 of 4 stars). 2 submissions from 2 submitters: Uncertain significance (2). Last evaluated 2025-10-24.

Allele frequency attached by ClinVar (database versions not stated): TOPMed below 0.00001; ExAC 0.00001; gnomAD 0.00001.

Submissions (2):

Ambry Genetics
Classification: Uncertain significance. Last evaluated: 2025-10-24. Review status: criteria provided, single submitter. Criteria: Ambry Variant Classification Scheme 2023. Collection method: clinical testing. Allele origin: germline.

Labcorp Genetics (formerly Invitae), Labcorp
Classification: Uncertain significance. Last evaluated: 2024-01-19. Review status: criteria provided, single submitter. Criteria: Invitae Variant Classification Sherloc (09022015). Collection method: clinical testing. Allele origin: germline.
Comment: This sequence change replaces arginine, which is basic and polar, with lysine, which is basic and polar, at codon 498 of the ITGAM protein (p.Arg498Lys). This variant is present in population databases (rs758530076, gnomAD 0.003%). This variant has not been reported in the literature in individuals affected with ITGAM-related conditions. Algorithms developed to predict the effect of missense changes on protein structure and function output the following: SIFT: "Not Available"; PolyPhen-2: "Benign"; Align-GVGD: "Not Available". The lysine amino acid residue is found in multiple mammalian species, which suggests that this missense change does not adversely affect protein function. In summary, the available evidence is currently insufficient to determine the role of this variant in disease. Therefore, it has been classified as a Variant of Uncertain Significance.